The following is an entry in ClinVar:

ClinVar aggregate classification (germline): Uncertain significance (1 of 4 stars; one submission).

Submission:

Labcorp Genetics (formerly Invitae), Labcorp
Classification: Uncertain significance. Last evaluated: 2022-03-20. Review status: criteria provided, single submitter. Criteria: Invitae Variant Classification Sherloc (09022015). Collection method: clinical testing. Allele origin: germline.
Comment: In summary, the available evidence is currently insufficient to determine the role of this variant in disease. Therefore, it has been classified as a Variant of Uncertain Significance. This sequence change replaces aspartic acid, which is acidic and polar, with glutamic acid, which is acidic and polar, at codon 994 of the COL4A1 protein (p.Asp994Glu). This variant is not present in population databases (gnomAD no frequency). This variant has not been reported in the literature in individuals affected with COL4A1-related conditions. Advanced modeling of protein sequence and biophysical properties (such as structural, functional, and spatial information, amino acid conservation, physicochemical variation, residue mobility, and thermodynamic stability) performed at Invitae indicates that this missense variant is not expected to disrupt COL4A1 protein function.

NM_001845.6(COL4A1):c.2982T>A (p.Asp994Glu)

Gene: COL4A1 (collagen type IV alpha 1 chain; minus strand). Cytogenetic location: 13q34.
Variant type: single nucleotide variant.
Coding change: c.2982T>A on transcript NM_001845.6 (MANE Select); coding-DNA position 2982, T replaced by A.
Protein change: p.Asp994Glu; replaces aspartic acid 994 with glutamic acid.
Molecular consequence: missense variant.
Genome position (GRCh38, 1-based): chr13:110,176,500, A>T on the plus strand (T>A on the coding strand, the complement: COL4A1 is on the minus strand). VCF-style: chr13-110176500-A-T. GRCh37 (hg19) VCF-style: chr13-110828847-A-T.
Other names: short protein forms D994E.
Identifiers: ClinVar variation 1934929 (VCV001934929.5), dbSNP rs1877891430, ClinGen allele CA388665969.
Genomic context (GRCh38, chr13:110,176,500, plus strand): 5'-ACCAACAGATCCTTTTGGTCCCGGAAGTCCTGGAGCACCTGGGGTTCCACTTATACCTGG[A>T]TCACCTTTAGGTCCTAGAACCATAAAGAAAGCAGTCTGACAGGTTGACATCTACAGAAAG-3'
Protein context (NP_001836.3, residues 984-1004): GQPGQPGPKG[Asp994Glu]PGISGTPGAP